The following is an entry in ClinVar:

ClinVar aggregate classification (germline): Uncertain significance. Review status: criteria provided, multiple submitters, no conflicts (2 of 4 stars). 4 submissions from 4 submitters: Uncertain significance (4). Last evaluated 2024-11-05.

Conditions:
Familial thoracic aortic aneurysm and aortic dissection (TAAD). Also called: Thoracic aortic aneurysms and dissections. Identifiers: Orphanet 91387, MedGen C4707243, MONDO:0019625.
Aortic aneurysm, familial thoracic 4 (AAT4). Also called: AORTIC ANEURYSM/AORTIC DISSECTION AND PATENT DUCTUS ARTERIOSUS. Identifiers: MedGen C1851504, MONDO:0007568, OMIM 132900.

Allele frequency attached by ClinVar (database versions not stated): gnomAD exomes below 0.00001; ExAC 0.00001.
gnomAD v4.1: 1 of 1,614,146 alleles (0.000062%); highest among the groups gnomAD compares: Non-Finnish European, 0.000085%; no homozygotes.

Submissions (4):

Labcorp Genetics (formerly Invitae), Labcorp
Classification: Uncertain significance for Aortic aneurysm, familial thoracic 4. Last evaluated: 2024-11-05. Review status: criteria provided, single submitter. Criteria: Invitae Variant Classification Sherloc (09022015). Collection method: clinical testing. Allele origin: germline.
Comment: This sequence change replaces arginine, which is basic and polar, with lysine, which is basic and polar, at codon 810 of the MYH11 protein (p.Arg810Lys). This variant is present in population databases (rs749801876, gnomAD 0.0009%). This variant has not been reported in the literature in individuals affected with MYH11-related conditions. ClinVar contains an entry for this variant (Variation ID: 923861). Invitae Evidence Modeling of protein sequence and biophysical properties (such as structural, functional, and spatial information, amino acid conservation, physicochemical variation, residue mobility, and thermodynamic stability) indicates that this missense variant is not expected to disrupt MYH11 protein function with a negative predictive value of 95%. In summary, the available evidence is currently insufficient to determine the role of this variant in disease. Therefore, it has been classified as a Variant of Uncertain Significance.

Color Diagnostics, LLC DBA Color Health
Classification: Uncertain significance for Familial thoracic aortic aneurysm and aortic dissection. Last evaluated: 2024-03-06. Review status: criteria provided, single submitter. Criteria: ACMG Guidelines, 2015. Collection method: clinical testing. Allele origin: germline.
Comment: This missense variant replaces arginine with lysine at codon 810 of the MYH11 protein. Computational prediction suggests that this variant may have deleterious impact on protein structure and function (internally defined REVEL score threshold >= 0.7, PMID: 27666373). To our knowledge, functional studies have not been reported for this variant. This variant has not been reported in individuals affected with MYH11-related disorders in the literature. This variant has been identified in 1/251486 chromosomes in the general population by the Genome Aggregation Database (gnomAD). The available evidence is insufficient to determine the role of this variant in disease conclusively. Therefore, this variant is classified as a Variant of Uncertain Significance.

All of Us Research Program, National Institutes of Health
Classification: Uncertain significance for Familial thoracic aortic aneurysm and aortic dissection. Last evaluated: 2024-03-05. Review status: criteria provided, single submitter. Criteria: ACMG Guidelines, 2015. Collection method: clinical testing. Allele origin: germline. Inheritance: Autosomal dominant inheritance. Observed: 3 variant alleles, 3 heterozygotes.
Comment: Variant of Uncertain Significance due to insufficient evidence: This missense variant replaces arginine with lysine at codon 810 of the MYH11 protein. Computational prediction tools and conservation analyses suggest that this variant may have deleterious impact on the protein function. Computational splicing tools suggest that this variant may not impact RNA splicing. To our knowledge, functional assays have not been performed for this variant nor has this variant been reported in individuals affected with cardiovascular disorders in the literature. This variant has been identified in 1/246260 chromosomes in the general population by the Genome Aggregation Database (gnomAD). Available evidence is insufficient to determine the role of this variant in disease conclusively.

This study involves interpretation of variants in research participants for the purpose of population health screening. Participant phenotype was not available at the time of variant classification. Additional details can be found in publication PMID: 35346344, PMCID: PMC8962531

MGZ Medical Genetics Center
Classification: Uncertain significance for Aortic aneurysm, familial thoracic 4. Last evaluated: 2021-09-06. Review status: criteria provided, single submitter. Criteria: ACMG Guidelines, 2015. Collection method: clinical testing. Allele origin: germline. Affected: yes. Observed: 1 variant allele.
Comment: ACMG criteria applied: PM2_SUP, PP3

NM_002474.3(MYH11):c.2408G>A (p.Arg803Lys)

Gene: MYH11 (myosin heavy chain 11; minus strand). Cytogenetic location: 16p13.11.
Variant type: single nucleotide variant.
Coding change: c.2408G>A on transcript NM_002474.3 (MANE Select); coding-DNA position 2408, G replaced by A.
Protein change: p.Arg803Lys; replaces arginine 803 with lysine.
Molecular consequence: missense variant.
Genome position (GRCh38, 1-based): chr16:15,747,573, C>T on the plus strand (G>A on the coding strand, the complement: MYH11 is on the minus strand). VCF-style: chr16-15747573-C-T. GRCh37 (hg19) VCF-style: chr16-15841430-C-T.
Other names: c.2429G>A, p.Arg810Lys (NM_001040113.2, NM_001040114.2); c.2408G>A, p.Arg803Lys (NM_022844.3); short protein forms R810K, R803K.
Identifiers: ClinVar variation 923861 (VCV000923861.15), dbSNP rs749801876, ClinGen allele CA7922299.